The following is an entry in ClinVar:

ClinVar aggregate classification (germline): Uncertain significance (1 of 4 stars; one submission).

Allele frequency attached by ClinVar (database versions not stated): gnomAD exomes below 0.00001.
gnomAD v4.1: 1 of 1,614,002 alleles (0.000062%); highest among the groups gnomAD compares: Admixed American, 0.0017%; no homozygotes.

Submission:

GeneDx
Classification: Uncertain significance. Last evaluated: 2019-06-13. Review status: criteria provided, single submitter. Criteria: GeneDx Variant Classification Process June 2021. Collection method: clinical testing. Allele origin: germline. Affected: yes.
Comment: Not observed at a significant frequency in large population cohorts (Lek et al., 2016); Nonsense variant predicted to result in protein truncation, although loss-of-function variants have not been reported downstream of this position in the protein; Has not been previously published as pathogenic or benign to our knowledge

NM_003051.4(SLC16A1):c.1369C>T (p.Gln457Ter)

Gene: SLC16A1 (solute carrier family 16 member 1; minus strand). Cytogenetic location: 1p13.2.
Variant type: single nucleotide variant.
Coding change: c.1369C>T on transcript NM_003051.4 (MANE Select); coding-DNA position 1369, C replaced by T.
Protein change: p.Gln457Ter; replaces glutamine 457 with a stop codon.
Molecular consequence: nonsense.
Genome position (GRCh38, 1-based): chr1:112,914,025, G>A on the plus strand (C>T on the coding strand, the complement: SLC16A1 is on the minus strand). VCF-style: chr1-112914025-G-A. GRCh37 (hg19) VCF-style: chr1-113456647-G-A.
Other names: c.1369C>T, p.Gln457Ter (NM_001166496.2); short protein forms Q457*.
Identifiers: ClinVar variation 1302352 (VCV001302352.2), dbSNP rs1340457702, ClinGen allele CA341826933.